The following is an entry in ClinVar:

NM_001378964.1(CDON):c.2795C>G (p.Ser932Cys)

Gene: CDON (cell adhesion associated, oncogene regulated; minus strand). Cytogenetic location: 11q24.2.
Variant type: single nucleotide variant.
Coding change: c.2795C>G on transcript NM_001378964.1 (MANE Select); coding-DNA position 2795, C replaced by G.
Protein change: p.Ser932Cys; replaces serine 932 with cysteine.
Molecular consequence: missense variant.
Genome position (GRCh38, 1-based): chr11:125,984,072, G>C on the plus strand (C>G on the coding strand, the complement: CDON is on the minus strand). VCF-style: chr11-125984072-G-C. GRCh37 (hg19) VCF-style: chr11-125853967-G-C.
Other names: c.2795C>G, p.Ser932Cys (NM_001243597.3, NM_001441161.1, NM_001441162.1 and 5 more transcripts); short protein forms S932C.
Identifiers: ClinVar variation 4529632 (VCV004529632.1).

ClinVar aggregate classification (germline): Uncertain significance (1 of 4 stars; one submission).

gnomAD v4.1: 1 of 1,612,544 alleles (0.000062%); highest among the groups gnomAD compares: Admixed American, 0.0017%; no homozygotes.

Submission:

GeneDx
Classification: Uncertain significance. Last evaluated: 2025-05-16. Review status: criteria provided, single submitter. Criteria: GeneDx Variant Classification Process June 2021. Collection method: clinical testing. Allele origin: germline. Affected: yes.
Comment: Not observed at significant frequency in large population cohorts (gnomAD); In silico analysis supports that this missense variant has a deleterious effect on protein structure/function; Has not been previously published as pathogenic or benign to our knowledge